The following is an entry in ClinVar:

NM_005909.5(MAP1B):c.976C>T (p.Arg326Trp)

Gene: MAP1B (microtubule associated protein 1B; plus strand). Cytogenetic location: 5q13.2.
Variant type: single nucleotide variant.
Coding change: c.976C>T on transcript NM_005909.5 (MANE Select); coding-DNA position 976, C replaced by T.
Protein change: p.Arg326Trp; replaces arginine 326 with tryptophan.
Molecular consequence: missense variant.
Genome position (GRCh38, 1-based): chr5:72,194,331, C>T. VCF-style: chr5-72194331-C-T. GRCh37 (hg19) VCF-style: chr5-71490158-C-T.
Other names: c.598C>T, p.Arg200Trp (NM_001324255.2); short protein forms R200W, R326W.
Identifiers: ClinVar variation 1184989 (VCV001184989.2), dbSNP rs200457818, ClinGen allele CA120032094.

ClinVar aggregate classification (germline): Uncertain significance (1 of 4 stars; one submission).

Conditions:
Periventricular nodular heterotopia 9. Identifiers: MedGen C5394503, MONDO:0030061, OMIM 618918.

Allele frequency attached by ClinVar (database versions not stated): gnomAD exomes 0.00001.
gnomAD v4.1: 11 of 1,614,162 alleles (0.00068%); highest among the groups gnomAD compares: East Asian, 0.0022%; no homozygotes.

Submission:

Institute of Human Genetics, University of Goettingen
Classification: Uncertain significance for Periventricular nodular heterotopia 9. Last evaluated: 2020-11-26. Review status: criteria provided, single submitter. Criteria: ACMG Guidelines, 2015. Collection method: clinical testing. Allele origin: maternal. Inheritance: Autosomal recessive inheritance. Observed: 1 variant allele, 1 heterozygote.
Comment: The variant c.976C>T (p.(Arg326Trp)) in exon 5 of the MAP1B-gene is not found in the gnomAD database. This variant has a Pathogenic computational verdict based on 11 pathogenic predictions from BayesDel_addAF, DANN, DEOGEN2, EIGEN, FATHMM-MKL, LIST-S2, M-CAP, MutationAssessor, MutationTaster, PrimateAI and SIFT vs 1 benign prediction from MVP. Thus, we classify this variant as a Variant of uncertain significance. ACMG criteria used for classification: PM2, PP3, BP1.